The following is an entry in ClinVar:

ClinVar aggregate classification (germline): Uncertain significance (1 of 4 stars; one submission).

Conditions:
Intellectual developmental disorder, autosomal dominant 30, with speech delay and behavioral abnormalities. Also called: Intellectual disability, autosomal dominant 30. Identifiers: Orphanet 436151, MedGen C4015167, MONDO:0014486, OMIM 616083.

Submission:

3billion
Classification: Uncertain significance for Intellectual developmental disorder, autosomal dominant 30, with speech delay and behavioral abnormalities. Last evaluated: 2023-02-23. Review status: criteria provided, single submitter. Criteria: ACMG Guidelines, 2015. Collection method: clinical testing. Allele origin: unknown. Affected: yes.
Comment: The variant is not observed in the gnomAD v2.1.1 dataset. Missense changes are a common disease-causing mechanism. In silico tool predictions suggest damaging effect of the variant on gene or gene product (3Cnet: 0.97). Therefore, this variant is classified as VUS according to the recommendation of ACMG/AMP guideline.

NM_001370100.5(ZMYND11):c.128G>C (p.Arg43Pro)

Gene: ZMYND11 (zinc finger MYND-type containing 11; plus strand). Cytogenetic location: 10p15.3.
Variant type: single nucleotide variant.
Coding change: c.128G>C on transcript NM_001370100.5 (MANE Select); coding-DNA position 128, G replaced by C.
Protein change: p.Arg43Pro; replaces arginine 43 with proline.
Molecular consequence: missense variant. On other transcripts: non-coding transcript variant (1), intron variant (1).
Genome position (GRCh38, 1-based): chr10:209,900, G>C. VCF-style: chr10-209900-G-C. GRCh37 (hg19) VCF-style: chr10-255840-G-C.
Other names: c.128G>C, p.Arg43Pro (NM_001161482.1, NM_001202464.3, NM_001202465.3 and 25 more transcripts); c.77G>C, p.Arg26Pro (NM_001330057.3, NM_001370112.2, NM_001370123.2); c.62G>C, p.Arg21Pro (NM_001370116.2, NM_001370120.2); c.8G>C, p.Arg3Pro (NM_001370118.2, NM_001370121.2); c.-33-26938G>C (NM_001370124.3); short protein forms R21P, R26P, R3P, R43P.
Identifiers: ClinVar variation 2444205 (VCV002444205.1), dbSNP rs2131267933, ClinGen allele CA375841815.